The following is an entry in ClinVar:

ClinVar aggregate classification (germline): Uncertain significance. Review status: criteria provided, multiple submitters, no conflicts (2 of 4 stars). 5 submissions from 5 submitters: Uncertain significance (5). Last evaluated 2025-06-12.

Conditions:
Cardiomyopathy (CMYO). Also called: Cardiomyopathies. Identifiers: Orphanet 167848, MedGen C0878544, MONDO:0004994, HP:0001638. Inheritance: Various modes of inheritance.
Ventricular arrhythmias due to cardiac ryanodine receptor calcium release deficiency syndrome. Also called: Autosomal dominant cardiac arrhythmia (Kuhn). Identifiers: MedGen C5542154, MONDO:0020745, OMIM 115000.
Catecholaminergic polymorphic ventricular tachycardia 1. Also called: VENTRICULAR TACHYCARDIA, STRESS-INDUCED POLYMORPHIC 1; VENTRICULAR TACHYCARDIA, CATECHOLAMINERGIC POLYMORPHIC, 1, WITH OR WITHOUT ATRIAL DYSFUNCTION AND/OR DILATED CARDIOMYOPATHY; RYR2-Related Catecholaminergic Polymorphic Ventricular Tachycardia. Identifiers: Orphanet 3286, MedGen C1631597, MONDO:0011484, OMIM 604772.
Catecholaminergic polymorphic ventricular tachycardia (CVPT). Also called: Catecholamine-induced polymorphic ventricular tachycardia. Identifiers: Orphanet 3286, MedGen C5574922, MONDO:0017990.

Allele frequency attached by ClinVar (database versions not stated): gnomAD exomes below 0.00001 and 0.00002; ExAC 0.00001; TOPMed 0.00001.
gnomAD v4.1: 28 of 1,613,936 alleles (0.0017%); highest among the groups gnomAD compares: Non-Finnish European, 0.0023%; no homozygotes.

Submissions (5):

Color Diagnostics, LLC DBA Color Health
Classification: Uncertain significance for Cardiomyopathy. Last evaluated: 2025-06-12. Review status: criteria provided, single submitter. Criteria: ACMG Guidelines, 2015. Collection method: clinical testing. Allele origin: germline.
Comment: This missense variant replaces isoleucine with valine at codon 4197 of the RYR2 protein. Computational prediction suggests that this variant may have a deleterious impact on protein structure and function. To our knowledge, functional studies have not been reported for this variant. This variant has been reported in an individual affected with dilated cardiomyopathy (PMID: 35470680). This variant has been identified in 1/248926 chromosomes in the general population by the Genome Aggregation Database (gnomAD). The available evidence is insufficient to determine the role of this variant in disease conclusively. Therefore, this variant is classified as a Variant of Uncertain Significance.

All of Us Research Program, National Institutes of Health
Classification: Uncertain significance for Catecholaminergic polymorphic ventricular tachycardia. Last evaluated: 2024-08-29. Review status: criteria provided, single submitter. Criteria: ACMG Guidelines, 2015. Collection method: clinical testing. Allele origin: germline. Inheritance: Autosomal dominant inheritance. Observed: 2 variant alleles, 2 heterozygotes.
Comment: This missense variant is located in the cytoplasmic domain of the RYR2 protein. Computational prediction suggests that this variant may have deleterious impact on protein structure and function (internally defined REVEL score threshold >= 0.7, PMID: 27666373). To our knowledge, functional studies have not been reported for this variant. This variant has not been reported in individuals affected with cardiovascular disorders in the literature. This variant has been identified in 1/248926 chromosomes in the general population by the Genome Aggregation Database (gnomAD). The available evidence is insufficient to determine the role of this variant in disease conclusively. Therefore, this variant is classified as a Variant of Uncertain Significance.

This study involves interpretation of variants in research participants for the purpose of population health screening. Participant phenotype was not available at the time of variant classification. Additional details can be found in publication PMID: 35346344, PMCID: PMC8962531

Department of Pathology and Laboratory Medicine, Sinai Health System
Classification: Uncertain significance for Ventricular arrhythmias due to cardiac ryanodine receptor calcium release deficiency syndrome; Catecholaminergic polymorphic ventricular tachycardia 1. Last evaluated: 2023-01-20. Review status: criteria provided, single submitter. Criteria: ACMG Guidelines, 2015. Collection method: research. Allele origin: germline.

Labcorp Genetics (formerly Invitae), Labcorp
Classification: Uncertain significance for Catecholaminergic polymorphic ventricular tachycardia 1. Last evaluated: 2021-08-13. Review status: criteria provided, single submitter. Criteria: Invitae Variant Classification Sherloc (09022015). Collection method: clinical testing. Allele origin: germline.
Comment: This sequence change replaces isoleucine with valine at codon 4197 of the RYR2 protein (p.Ile4197Val). The isoleucine residue is highly conserved and there is a small physicochemical difference between isoleucine and valine. This variant is present in population databases (rs765238394, ExAC 0.001%). This variant has not been reported in the literature in individuals affected with RYR2-related conditions. Algorithms developed to predict the effect of missense changes on protein structure and function (SIFT, PolyPhen-2, Align-GVGD) all suggest that this variant is likely to be disruptive. In summary, the available evidence is currently insufficient to determine the role of this variant in disease. Therefore, it has been classified as a Variant of Uncertain Significance.

CeGaT Center for Human Genetics Tuebingen
Classification: Uncertain significance. Last evaluated: 2016-06-01. Review status: criteria provided, single submitter. Criteria: CeGaT Center For Human Genetics Tuebingen Variant Classification Criteria Version 2. Collection method: clinical testing. Allele origin: germline. Affected: yes. Observed: 1 variant allele.

Literature cited by the submitters: PubMed 35470680 (cited by Color Diagnostics, LLC DBA Color Health).

NM_001035.3(RYR2):c.12589A>G (p.Ile4197Val)

Genes: RYR2 (ryanodine receptor 2; plus strand), LOC126806068 (BRD4-independent group 4 enhancer GRCh37_chr1:237947411-237948610; plus strand). Cytogenetic location: 1q43.
Variant type: single nucleotide variant.
Coding change: c.12589A>G on transcript NM_001035.3 (MANE Select); coding-DNA position 12589, A replaced by G.
Protein change: p.Ile4197Val; replaces isoleucine 4197 with valine.
Molecular consequence: missense variant.
Genome position (GRCh38, 1-based): chr1:237,784,301, A>G. VCF-style: chr1-237784301-A-G. GRCh37 (hg19) VCF-style: chr1-237947601-A-G.
Other names: c.12589A>G, p.Ile4197Val (LRG_402t1); short protein forms I4197V.
Identifiers: ClinVar variation 463560 (VCV000463560.54), dbSNP rs765238394, ClinGen allele CA085201.
Genomic context (GRCh38, chr1:237,784,301, plus strand): 5'-GTCAACGAAGGCGGAGAGAAAGAGAAGATGGAACTCTTTGTGAACTTCTGCGAGGACACC[A>G]TCTTTGAAATGCAGCTGGCGGCTCAGATCTCGGAGTCGGACTTGAACGAGAGGTCAGCGA-3'
Protein context (NP_001026.2, residues 4187-4207): ELFVNFCEDT[Ile4197Val]FEMQLAAQIS